The following is an entry in ClinVar:

ClinVar aggregate classification (germline): Uncertain significance (1 of 4 stars; one submission).

Allele frequency attached by ClinVar (database versions not stated): gnomAD exomes below 0.00001; ExAC 0.00001.
gnomAD v4.1: 1 of 1,613,878 alleles (0.000062%); highest among the groups gnomAD compares: Non-Finnish European, 0.000085%; no homozygotes.

Submission:

Labcorp Genetics (formerly Invitae), Labcorp
Classification: Uncertain significance. Last evaluated: 2021-08-15. Review status: criteria provided, single submitter. Criteria: Invitae Variant Classification Sherloc (09022015). Collection method: clinical testing. Allele origin: germline.
Comment: This sequence change replaces valine with methionine at codon 54 of the TNNT3 protein (p.Val54Met). The valine residue is highly conserved and there is a small physicochemical difference between valine and methionine. This variant is present in population databases (rs759236568, ExAC 0.002%). This variant has not been reported in the literature in individuals affected with TNNT3-related conditions. Algorithms developed to predict the effect of missense changes on protein structure and function are either unavailable or do not agree on the potential impact of this missense change (SIFT: "Deleterious"; PolyPhen-2: "Probably Damaging"; Align-GVGD: "Class C0"). In summary, the available evidence is currently insufficient to determine the role of this variant in disease. Therefore, it has been classified as a Variant of Uncertain Significance.

NM_006757.4(TNNT3):c.160G>A (p.Val54Met)

Gene: TNNT3 (troponin T3, fast skeletal type; plus strand). Cytogenetic location: 11p15.5.
Variant type: single nucleotide variant.
Coding change: c.160G>A on transcript NM_006757.4 (MANE Select); coding-DNA position 160, G replaced by A.
Protein change: p.Val54Met; replaces valine 54 with methionine.
Molecular consequence: missense variant. On other transcripts: 5 prime UTR variant (2).
Genome position (GRCh38, 1-based): chr11:1,932,503, G>A. VCF-style: chr11-1932503-G-A. GRCh37 (hg19) VCF-style: chr11-1953733-G-A.
Other names: c.136G>A, p.Val46Met (NM_001042780.3, NM_001042782.3, NM_001297646.2 and 2 more transcripts); c.154G>A, p.Val52Met (NM_001042781.3, NM_001367842.1, NM_001367843.1); c.169G>A, p.Val57Met (NM_001363561.2, NM_001367847.1); c.193G>A, p.Val65Met (NM_001367846.1); c.157G>A, p.Val53Met (NM_001367848.1); c.148G>A, p.Val50Met (NM_001367849.1); c.103G>A, p.Val35Met (NM_001367850.1); c.-45G>A (NM_001367851.1, NM_001367852.1); short protein forms V53M, V57M, V65M, V46M, V52M, V50M, V54M, V35M.
Identifiers: ClinVar variation 1369331 (VCV001369331.6), dbSNP rs759236568, ClinGen allele CA5816364.